The following is an entry in ClinVar:

NM_001394998.1(TANC2):c.639C>T (p.Ala213=)

Gene: TANC2 (tetratricopeptide repeat, ankyrin repeat and coiled-coil containing 2; plus strand). Cytogenetic location: 17q23.3.
Variant type: single nucleotide variant.
Coding change: c.639C>T on transcript NM_001394998.1 (MANE Select); coding-DNA position 639, C replaced by T.
Protein change: p.Ala213=; no amino-acid change (alanine 213 retained).
Molecular consequence: synonymous variant.
Genome position (GRCh38, 1-based): chr17:63,200,827, C>T. VCF-style: chr17-63200827-C-T. GRCh37 (hg19) VCF-style: chr17-61278188-C-T.
Other names: c.417C>T, p.Ala139= (NM_001411076.1, NM_025185.4).
Identifiers: ClinVar variation 3024923 (VCV003024923.22), dbSNP rs576684481, ClinGen allele CA8697401.

ClinVar aggregate classification (germline): Likely benign (1 of 4 stars; one submission).

Allele frequency attached by ClinVar (database versions not stated): ExAC 0.00002; gnomAD 0.00003; TOPMed 0.00003.
gnomAD v4.1: 25 of 1,613,686 alleles (0.0015%); highest among the groups gnomAD compares: Non-Finnish European, 0.0019%; no homozygotes.

Submission:

CeGaT Center for Human Genetics Tuebingen
Classification: Likely benign. Last evaluated: 2024-01-01. Review status: criteria provided, single submitter. Criteria: CeGaT Center For Human Genetics Tuebingen Variant Classification Criteria Version 2. Collection method: clinical testing. Allele origin: germline. Affected: yes. Observed: 1 variant allele.
Comment: TANC2: BP4